The following is an entry in ClinVar:

ClinVar aggregate classification (germline): Uncertain significance (1 of 4 stars; one submission).

Conditions:
Neuropathy, hereditary sensory and autonomic, type 2A (HSAN2A). Also called: ACROOSTEOLYSIS, NEUROGENIC; ACROOSTEOLYSIS, GIACCAI TYPE; MORVAN DISEASE; NEUROPATHY, CONGENITAL SENSORY; NEUROPATHY, HEREDITARY SENSORY RADICULAR, AUTOSOMAL RECESSIVE; NEUROPATHY, HEREDITARY SENSORY, TYPE IIA. Identifiers: Orphanet 970, MedGen C2752089, MONDO:0024309, OMIM 201300.
Generalized epilepsy with febrile seizures plus, type 7 (GEFSP7). Also called: GEFS+, TYPE 7. Identifiers: Orphanet 36387, MedGen C2751778, MONDO:0013470, OMIM 613863.

Submission:

Labcorp Genetics (formerly Invitae), Labcorp
Classification: Uncertain significance for Neuropathy, hereditary sensory and autonomic, type 2A; Generalized epilepsy with febrile seizures plus, type 7. Last evaluated: 2017-06-12. Review status: criteria provided, single submitter. Criteria: Invitae Variant Classification Sherloc (09022015). Collection method: clinical testing. Allele origin: germline.
Comment: This variant is not present in population databases (ExAC no frequency). This sequence change replaces methionine with lysine at codon 750 of the SCN9A protein (p.Met750Lys). The methionine residue is highly conserved and there is a moderate physicochemical difference between methionine and lysine. This variant has not been reported in the literature in individuals with an SCN9A-related disease. In summary, this variant has uncertain impact on SCN9A function. The available evidence is currently insufficient to determine its role in disease. Therefore, it has been classified as a Variant of Uncertain Significance. Algorithms developed to predict the effect of sequence changes on RNA splicing suggest that this variant may create or strengthen a splice site, but this prediction has not been confirmed by published transcriptional studies. Algorithms developed to predict the effect of missense changes on protein structure and function (SIFT, PolyPhen-2, Align-GVGD) all suggest that this variant is likely to be disruptive, but these predictions have not been confirmed by published functional studies and their clinical significance is uncertain.

NM_001365536.1(SCN9A):c.2282T>A (p.Met761Lys)

Genes: SCN9A (sodium voltage-gated channel alpha subunit 9; minus strand), SCN1A-AS1 (SCN1A and SCN9A antisense RNA 1; plus strand). Cytogenetic location: 2q24.3.
Variant type: single nucleotide variant.
Coding change: c.2282T>A on transcript NM_001365536.1 (MANE Select); coding-DNA position 2282, T replaced by A.
Protein change: p.Met761Lys; replaces methionine 761 with lysine.
Molecular consequence: missense variant.
Genome position (GRCh38, 1-based): chr2:166,280,418, A>T on the plus strand (T>A on the coding strand, the complement: SCN9A is on the minus strand). VCF-style: chr2-166280418-A-T. GRCh37 (hg19) VCF-style: chr2-167136928-A-T.
Other names: c.2249T>A, p.Met750Lys (NM_002977.4); short protein forms M750K, M761K.
Identifiers: ClinVar variation 471096 (VCV000471096.9), dbSNP rs1553488787, ClinGen allele CA349079558.